The following is an entry in ClinVar:

NM_000124.4(ERCC6):c.3762G>T (p.Lys1254Asn)

Gene: ERCC6 (ERCC excision repair 6, chromatin remodeling factor; minus strand). Cytogenetic location: 10q11.23.
Variant type: single nucleotide variant.
Coding change: c.3762G>T on transcript NM_000124.4 (MANE Select); coding-DNA position 3762, G replaced by T.
Protein change: p.Lys1254Asn; replaces lysine 1254 with asparagine.
Molecular consequence: missense variant.
Genome position (GRCh38, 1-based): chr10:49,470,198, C>A on the plus strand (G>T on the coding strand, the complement: ERCC6 is on the minus strand). VCF-style: chr10-49470198-C-A. GRCh37 (hg19) VCF-style: chr10-50678244-C-A.
Other names: c.3762G>T, p.Lys1254Asn (NM_001346440.2); short protein forms K1254N.
Identifiers: ClinVar variation 1034078 (VCV001034078.1), dbSNP rs1850747769, ClinGen allele CA376712364.

ClinVar aggregate classification (germline): Uncertain significance (1 of 4 stars; one submission).

Conditions:
Cerebrooculofacioskeletal syndrome 1 (COFS1). Also called: Cerebro-oculo-facio-skeletal syndrome 1. Identifiers: MedGen C0220722, MONDO:0008955, OMIM 214150.

Submission:

Baylor Genetics
Classification: Uncertain significance for Cerebrooculofacioskeletal syndrome 1. Last evaluated: 2018-01-30. Review status: criteria provided, single submitter. Criteria: ACMG Guidelines, 2015. Collection method: clinical testing. Allele origin: maternal. Affected: yes.
Comment: This variant was determined to be of uncertain significance according to ACMG Guidelines, 2015 [PMID:25741868].